The following is an entry in ClinVar:

ClinVar aggregate classification (germline): Benign. Review status: criteria provided, single submitter (1 of 4 stars). 2 submissions from 2 submitters: Benign (1). 1 of the submissions does not count toward it. Last evaluated 2026-01-29.

Conditions:
SPEG-related disorder. Also called: SPEG-related condition.

Allele frequency attached by ClinVar (database versions not stated): ESP Exome Variant Server 0.00093; gnomAD 0.00113 and 0.00143; gnomAD exomes 0.00136; TOPMed 0.00140; 1000 Genomes Project 30x 0.00281; 1000 Genomes Project 0.00300; ExAC 0.00497.
gnomAD v4.1: 2,225 of 1,560,336 alleles (0.14%); highest among the groups gnomAD compares: South Asian, 0.96%; 16 homozygotes.

Submissions (2):

Labcorp Genetics (formerly Invitae), Labcorp
Classification: Benign. Last evaluated: 2026-01-29. Review status: criteria provided, single submitter. Criteria: Invitae Variant Classification Sherloc (09022015). Collection method: clinical testing. Allele origin: germline.

PreventionGenetics, part of Exact Sciences
Classification: Benign for SPEG-related condition. Last evaluated: 2024-05-29. Review status: no assertion criteria provided. Collection method: clinical testing. Allele origin: germline. Not counted in ClinVar's aggregate classification.
Comment: This variant is classified as benign based on ACMG/AMP sequence variant interpretation guidelines (Richards et al. 2015 PMID: 25741868, with internal and published modifications).

NM_005876.5(SPEG):c.815+9C>T

Gene: SPEG (striated muscle enriched protein kinase; plus strand). Cytogenetic location: 2q35.
Variant type: single nucleotide variant.
Coding change: c.815+9C>T on transcript NM_005876.5 (MANE Select); 9 bases into the intron after coding-DNA position 815, C replaced by T.
Molecular consequence: intron variant.
Genome position (GRCh38, 1-based): chr2:219,445,170, C>T. VCF-style: chr2-219445170-C-T. GRCh37 (hg19) VCF-style: chr2-220309892-C-T.
Identifiers: ClinVar variation 720242 (VCV000720242.11), dbSNP rs34619091, ClinGen allele CA2125572.
Genomic context (GRCh38, chr2:219,445,170, plus strand): 5'-TGTACGGCAGCGCATTCAGCCTGTACAGAGGACGGGCGCTCTCTATCCACGTGTAAGTAA[C>T]GGCCTTACCTGGGCCTGAACTGCCCCATCTCACCACGCTGTCCTGCGCTGCCCTCACTGC-3'